The following is an entry in ClinVar:

ClinVar aggregate classification (germline): Uncertain significance (1 of 4 stars; one submission).

Conditions:
Cardiovascular phenotype. Identifiers: MedGen CN230736.
Hereditary cancer-predisposing syndrome. Also called: Tumor predisposition; Neoplastic Syndromes, Hereditary; Hereditary Cancer Syndrome; Hereditary neoplastic syndrome. Identifiers: Orphanet 140162, MedGen C0027672, MeSH D009386, MONDO:0015356.

Submission:

Ambry Genetics
Classification: Uncertain significance for Cardiovascular phenotype; Hereditary cancer-predisposing syndrome. Last evaluated: 2025-02-01. Review status: criteria provided, single submitter. Criteria: Ambry Variant Classification Scheme 2023. Collection method: clinical testing. Allele origin: germline.
Comment: The p.I2199N variant (also known as c.6596T>A), located in coding exon 43 of the NF1 gene, results from a T to A substitution at nucleotide position 6596. The isoleucine at codon 2199 is replaced by asparagine, an amino acid with dissimilar properties. This amino acid position is conserved. In addition, the in silico prediction for this alteration is inconclusive. Based on the available evidence, the clinical significance of this variant remains unclear.

NM_001042492.3(NF1):c.6659T>A (p.Ile2220Asn)

Gene: NF1 (neurofibromin 1; plus strand). Cytogenetic location: 17q11.2.
Variant type: single nucleotide variant.
Coding change: c.6659T>A on transcript NM_001042492.3 (MANE Select); coding-DNA position 6659, T replaced by A.
Protein change: p.Ile2220Asn; replaces isoleucine 2220 with asparagine.
Molecular consequence: missense variant.
Genome position (GRCh38, 1-based): chr17:31,337,835, T>A. VCF-style: chr17-31337835-T-A. GRCh37 (hg19) VCF-style: chr17-29664853-T-A.
Other names: c.6596T>A, p.Ile2199Asn (NM_000267.4); short protein forms I2199N, I2220N.
Identifiers: ClinVar variation 3879086 (VCV003879086.1).